The following is an entry in ClinVar:

ClinVar aggregate classification (germline): Uncertain significance (1 of 4 stars; one submission).

Conditions:
Familial thoracic aortic aneurysm and aortic dissection (TAAD). Also called: Thoracic aortic aneurysms and dissections. Identifiers: Orphanet 91387, MedGen C4707243, MONDO:0019625.

Submission:

Color Diagnostics, LLC DBA Color Health
Classification: Uncertain significance for Familial thoracic aortic aneurysm and aortic dissection. Last evaluated: 2024-03-07. Review status: criteria provided, single submitter. Criteria: ACMG Guidelines, 2015. Collection method: clinical testing. Allele origin: germline.
Comment: This missense variant replaces proline with alanine at codon 203 of the COL3A1 protein. Computational prediction is inconclusive regarding the impact of this variant on protein structure and function (internally defined REVEL score threshold 0.5 < inconclusive < 0.7, PMID: 27666373). Splice site prediction tools suggest that this variant may not impact RNA splicing. To our knowledge, functional studies have not been reported for this variant. This variant has not been reported in individuals affected with cardiovascular disorders in the literature. This variant has not been identified in the general population by the Genome Aggregation Database (gnomAD). The available evidence is insufficient to determine the role of this variant in disease conclusively. Therefore, this variant is classified as a Variant of Uncertain Significance.

NM_000090.4(COL3A1):c.607C>G (p.Pro203Ala)

Gene: COL3A1 (collagen type III alpha 1 chain; plus strand). Cytogenetic location: 2q32.2.
Variant type: single nucleotide variant.
Coding change: c.607C>G on transcript NM_000090.4 (MANE Select); coding-DNA position 607, C replaced by G.
Protein change: p.Pro203Ala; replaces proline 203 with alanine.
Molecular consequence: missense variant.
Genome position (GRCh38, 1-based): chr2:188,988,614, C>G. VCF-style: chr2-188988614-C-G. GRCh37 (hg19) VCF-style: chr2-189853340-C-G.
Other names: short protein forms P203A.
Identifiers: ClinVar variation 923622 (VCV000923622.4), dbSNP rs1688111809, ClinGen allele CA349848358.